The following is an entry in ClinVar:

ClinVar aggregate classification (germline): Uncertain significance (1 of 4 stars; one submission).

Conditions:
Hereditary cancer-predisposing syndrome. Also called: Tumor predisposition; Hereditary Cancer Syndrome; Neoplastic Syndromes, Hereditary; Hereditary neoplastic syndrome. Identifiers: Orphanet 140162, MedGen C0027672, MeSH D009386, MONDO:0015356.

Submission:

Color Diagnostics, LLC DBA Color Health
Classification: Uncertain significance for Hereditary cancer-predisposing syndrome. Last evaluated: 2025-07-23. Review status: criteria provided, single submitter. Criteria: ACMG Guidelines, 2015. Collection method: clinical testing. Allele origin: germline.
Comment: This missense variant replaces asparagine with lysine at codon 1455 of the APC protein. Computational prediction suggests that this variant may not impact protein structure and function. To our knowledge, functional studies have not been reported for this variant. This variant has not been reported in individuals affected with APC-related disorders in the literature. This variant has not been identified in the general population by the Genome Aggregation Database (gnomAD). The available evidence is insufficient to determine the role of this variant in disease conclusively. Therefore, this variant is classified as a Variant of Uncertain Significance.

NM_000038.6(APC):c.4365T>A (p.Asn1455Lys)

Gene: APC (APC regulator of Wnt signaling pathway; plus strand). Cytogenetic location: 5q22.2.
Variant type: single nucleotide variant.
Coding change: c.4365T>A on transcript NM_000038.6 (MANE Select); coding-DNA position 4365, T replaced by A.
Protein change: p.Asn1455Lys; replaces asparagine 1455 with lysine.
Molecular consequence: missense variant. On other transcripts: non-coding transcript variant (2).
Genome position (GRCh38, 1-based): chr5:112,839,959, T>A. VCF-style: chr5-112839959-T-A. GRCh37 (hg19) VCF-style: chr5-112175656-T-A.
Other names: c.4365T>A, p.Asn1455Lys (NM_001127510.3, NM_001354895.2, NM_001407450.1); c.4311T>A, p.Asn1437Lys (NM_001127511.3); c.4419T>A, p.Asn1473Lys (NM_001354896.2, NM_001407447.1, NM_001407448.1 and 1 more transcripts); c.4395T>A, p.Asn1465Lys (NM_001354897.2); c.4290T>A, p.Asn1430Lys (NM_001354898.2); c.4281T>A, p.Asn1427Lys (NM_001354899.2); c.4242T>A, p.Asn1414Lys (NM_001354900.2); c.4188T>A, p.Asn1396Lys (NM_001354901.2, NM_001407453.1); and 11 more; short protein forms N1071K, N1172K, N1295K, N1326K, N1329K, N1354K, N1364K, N1372K.
Identifiers: ClinVar variation 4757674 (VCV004757674.1).